The following is an entry in ClinVar:

ClinVar aggregate classification (germline): Uncertain significance. Review status: criteria provided, multiple submitters, no conflicts (2 of 4 stars). 2 submissions from 2 submitters: Uncertain significance (2). Last evaluated 2022-07-13.

Allele frequency attached by ClinVar (database versions not stated): TOPMed below 0.00001; gnomAD 0.00001.
gnomAD v4.1: 9 of 1,612,572 alleles (0.00056%); highest among the groups gnomAD compares: Non-Finnish European, 0.00076%; no homozygotes.

Submissions (2):

GeneDx
Classification: Uncertain significance. Last evaluated: 2022-07-13. Review status: criteria provided, single submitter. Criteria: GeneDx Variant Classification Process June 2021. Collection method: clinical testing. Allele origin: germline. Affected: yes.
Comment: Not observed at significant frequency in large population cohorts (gnomAD); In silico analysis supports that this missense variant has a deleterious effect on protein structure/function; Has not been previously published as pathogenic or benign to our knowledge

Revvity Omics, Revvity
Classification: Uncertain significance. Last evaluated: 2020-08-05. Review status: criteria provided, single submitter. Criteria: ACMG Guidelines, 2015. Collection method: clinical testing. Allele origin: germline.

NM_182961.4(SYNE1):c.4316A>C (p.Lys1439Thr)

Gene: SYNE1 (spectrin repeat containing nuclear envelope protein 1; minus strand). Cytogenetic location: 6q25.2.
Variant type: single nucleotide variant.
Coding change: c.4316A>C on transcript NM_182961.4 (MANE Select); coding-DNA position 4316, A replaced by C.
Protein change: p.Lys1439Thr; replaces lysine 1439 with threonine.
Molecular consequence: missense variant.
Genome position (GRCh38, 1-based): chr6:152,433,940, T>G on the plus strand (A>C on the coding strand, the complement: SYNE1 is on the minus strand). VCF-style: chr6-152433940-T-G. GRCh37 (hg19) VCF-style: chr6-152755075-T-G.
Other names: c.4337A>C, p.Lys1446Thr (NM_033071.5); short protein forms K1439T, K1446T.
Identifiers: ClinVar variation 1878885 (VCV001878885.4), dbSNP rs1188144545, ClinGen allele CA366144060.